The following is an entry in ClinVar:

NM_032888.4(COL27A1):c.484G>A (p.Glu162Lys)

Gene: COL27A1 (collagen type XXVII alpha 1 chain; plus strand). Cytogenetic location: 9q32.
Variant type: single nucleotide variant.
Coding change: c.484G>A on transcript NM_032888.4 (MANE Select); coding-DNA position 484, G replaced by A.
Protein change: p.Glu162Lys; replaces glutamic acid 162 with lysine.
Molecular consequence: missense variant.
Genome position (GRCh38, 1-based): chr9:114,168,039, G>A. VCF-style: chr9-114168039-G-A. GRCh37 (hg19) VCF-style: chr9-116930319-G-A.
Other names: short protein forms E162K.
Identifiers: ClinVar variation 1450475 (VCV001450475.3), dbSNP rs748184039, ClinGen allele CA5201164.

ClinVar aggregate classification (germline): Uncertain significance (1 of 4 stars; one submission).

Allele frequency attached by ClinVar (database versions not stated): gnomAD exomes below 0.00001 and 0.00001; ExAC 0.00001; TOPMed 0.00001.
gnomAD v4.1: 9 of 1,606,100 alleles (0.00056%); highest among the groups gnomAD compares: Middle Eastern, 0.017%; no homozygotes.

Submission:

Labcorp Genetics (formerly Invitae), Labcorp
Classification: Uncertain significance. Last evaluated: 2022-07-05. Review status: criteria provided, single submitter. Criteria: Invitae Variant Classification Sherloc (09022015). Collection method: clinical testing. Allele origin: germline.
Comment: This sequence change replaces glutamic acid, which is acidic and polar, with lysine, which is basic and polar, at codon 162 of the COL27A1 protein (p.Glu162Lys). This variant is present in population databases (rs748184039, gnomAD 0.0009%). This variant has not been reported in the literature in individuals affected with COL27A1-related conditions. ClinVar contains an entry for this variant (Variation ID: 1450475). Advanced modeling of protein sequence and biophysical properties (such as structural, functional, and spatial information, amino acid conservation, physicochemical variation, residue mobility, and thermodynamic stability) performed at Invitae indicates that this missense variant is not expected to disrupt COL27A1 protein function. In summary, the available evidence is currently insufficient to determine the role of this variant in disease. Therefore, it has been classified as a Variant of Uncertain Significance.